The following is an entry in ClinVar:

NM_004183.4(BEST1):c.409G>A (p.Val137Met)

Gene: BEST1 (bestrophin 1; plus strand). Cytogenetic location: 11q12.3.
Variant type: single nucleotide variant.
Coding change: c.409G>A on transcript NM_004183.4 (MANE Select); coding-DNA position 409, G replaced by A.
Protein change: p.Val137Met; replaces valine 137 with methionine.
Molecular consequence: missense variant. On other transcripts: non-coding transcript variant (1).
Genome position (GRCh38, 1-based): chr11:61,955,879, G>A. VCF-style: chr11-61955879-G-A. GRCh37 (hg19) VCF-style: chr11-61723351-G-A.
Other names: c.229G>A, p.Val77Met (NM_001139443.3, NM_001300786.2, NM_001300787.2); c.91G>A, p.Val31Met (NM_001363591.3); c.409G>A, p.Val137Met (NM_001363592.2); c.-767G>A (NM_001363593.3); short protein forms V137M, V31M, V77M.
Identifiers: ClinVar variation 1037158 (VCV001037158.9), dbSNP rs1363093613, ClinGen allele CA380835116.

ClinVar aggregate classification (germline): Uncertain significance. Review status: criteria provided, multiple submitters, no conflicts (2 of 4 stars). 2 submissions from 2 submitters: Uncertain significance (2). Last evaluated 2024-09-11.

Conditions:
Inborn genetic diseases. Identifiers: MedGen C0950123, MeSH D030342.

Allele frequency attached by ClinVar (database versions not stated): gnomAD exomes 0.00001 and 0.00003.

Submissions (2):

Ambry Genetics
Classification: Uncertain significance for Inborn genetic diseases. Last evaluated: 2024-09-11. Review status: criteria provided, single submitter. Criteria: Ambry Variant Classification Scheme 2023. Collection method: clinical testing. Allele origin: germline.

Labcorp Genetics (formerly Invitae), Labcorp
Classification: Uncertain significance. Last evaluated: 2023-11-04. Review status: criteria provided, single submitter. Criteria: Invitae Variant Classification Sherloc (09022015). Collection method: clinical testing. Allele origin: germline.
Comment: This sequence change replaces valine, which is neutral and non-polar, with methionine, which is neutral and non-polar, at codon 137 of the BEST1 protein (p.Val137Met). The frequency data for this variant in the population databases is considered unreliable, as metrics indicate poor data quality at this position in the gnomAD database. This variant has not been reported in the literature in individuals affected with BEST1-related conditions. ClinVar contains an entry for this variant (Variation ID: 1037158). Advanced modeling of protein sequence and biophysical properties (such as structural, functional, and spatial information, amino acid conservation, physicochemical variation, residue mobility, and thermodynamic stability) performed at Invitae indicates that this missense variant is expected to disrupt BEST1 protein function with a positive predictive value of 95%. In summary, the available evidence is currently insufficient to determine the role of this variant in disease. Therefore, it has been classified as a Variant of Uncertain Significance.